The following is an entry in ClinVar:

ClinVar aggregate classification (germline): Pathogenic (1 of 4 stars; one submission).

Conditions:
Ellis-van Creveld syndrome (EVC). Also called: MESOECTODERMAL DYSPLASIA; Chondroectodermal dysplasia. Identifiers: Orphanet 289, MedGen C0013903, MONDO:0009162, OMIM 225500.

Submission:

Myriad Genetics, Inc.
Classification: Pathogenic for Ellis-van Creveld syndrome. Last evaluated: 2024-02-15. Review status: criteria provided, single submitter. Criteria: Myriad Autosomal Dominant, Autosomal Recessive and X-Linked Classification Criteria (2023). Collection method: clinical testing. Allele origin: unknown.
Comment: NM_153717.2(EVC):c.1591_1592delTT(F531Pfs*24) is expected to be pathogenic in the context of EVC-related Ellis-van Creveld syndrome. This variant is predicted to lead to an abnormal or absent protein product due to the creation of a premature termination codon in EVC, a gene where loss-of-function variants are known to be pathogenic. Please note: this variant was assessed in the context of healthy population screening.

NM_153717.3(EVC):c.1591_1592del (p.Phe531fs)

Gene: EVC (EvC ciliary complex subunit 1; plus strand). Cytogenetic location: 4p16.2.
Variant type: Deletion.
Coding change: c.1591_1592del on transcript NM_153717.3 (MANE Select); coding-DNA positions 1591 to 1592, 2 bases deleted (TT; older notation c.1591_1592delTT).
Protein change: p.Phe531fs; shifts the reading frame from phenylalanine 531.
Molecular consequence: frameshift variant.
Genome position (GRCh38, 1-based): chr4:5,783,579-5,783,580, TT deleted; deleting any 2 consecutive bases within chr4:5,783,578-5,783,580 gives the same sequence; the c. name uses the placement nearest the transcript's 3' end. VCF-style (leftmost placement, unchanged base first): chr4-5783577-CTT-C. GRCh37 (hg19) VCF-style: chr4-5785304-CTT-C.
Other names: c.1591_1592del, p.Phe531fs (NM_001306090.2); short protein forms F531fs.
Identifiers: ClinVar variation 5012742 (VCV005012742.1).